The following is an entry in ClinVar:

ClinVar aggregate classification (germline): Uncertain significance (0 of 4 stars; one submission).

Conditions:
SEMA3C-related disorder. Also called: SEMA3C-related condition.

Submission:

PreventionGenetics, part of Exact Sciences
Classification: Uncertain significance for SEMA3C-related condition. Last evaluated: 2024-06-25. Review status: no assertion criteria provided. Collection method: clinical testing. Allele origin: germline.
Comment: The SEMA3C c.2075G>T variant is predicted to result in the amino acid substitution p.Trp692Leu. To our knowledge, this variant has not been reported in the literature or in a large population database, indicating this variant is rare. At this time, the clinical significance of this variant is uncertain due to the absence of conclusive functional and genetic evidence.

NM_006379.5(SEMA3C):c.2021G>T (p.Trp674Leu)

Gene: SEMA3C (semaphorin 3C; minus strand). Cytogenetic location: 7q21.11.
Variant type: single nucleotide variant.
Coding change: c.2021G>T on transcript NM_006379.5 (MANE Select); coding-DNA position 2021, G replaced by T.
Protein change: p.Trp674Leu; replaces tryptophan 674 with leucine.
Molecular consequence: missense variant.
Genome position (GRCh38, 1-based): chr7:80,745,129, C>A on the plus strand (G>T on the coding strand, the complement: SEMA3C is on the minus strand). VCF-style: chr7-80745129-C-A. GRCh37 (hg19) VCF-style: chr7-80374445-C-A.
Other names: c.2075G>T, p.Trp692Leu (NM_001350120.2); c.1847G>T, p.Trp616Leu (NM_001350121.2); short protein forms W616L, W674L, W692L.
Identifiers: ClinVar variation 3345860 (VCV003345860.1).